The following is an entry in ClinVar:

ClinVar aggregate classification (germline): Uncertain significance (1 of 4 stars; one submission).

Conditions:
Neuropathy, hereditary sensory, type 1F. Also called: Hereditary sensory neuropathy type IF; HSN IF. Identifiers: Orphanet 36386, MedGen C3810194, MONDO:0014286, OMIM 615632.

gnomAD v4.1: 5 of 1,612,270 alleles (0.00031%); highest among the groups gnomAD compares: African/African-American, 0.0013%; no homozygotes.

Submission:

Labcorp Genetics (formerly Invitae), Labcorp
Classification: Uncertain significance for Neuropathy, hereditary sensory, type 1F. Last evaluated: 2024-07-04. Review status: criteria provided, single submitter. Criteria: Invitae Variant Classification Sherloc (09022015). Collection method: clinical testing. Allele origin: germline.
Comment: This sequence change replaces cysteine, which is neutral and slightly polar, with phenylalanine, which is neutral and non-polar, at codon 262 of the ATL3 protein (p.Cys262Phe). This variant is present in population databases (no rsID available, gnomAD 0.0009%). This variant has not been reported in the literature in individuals affected with ATL3-related conditions. Advanced modeling of protein sequence and biophysical properties (such as structural, functional, and spatial information, amino acid conservation, physicochemical variation, residue mobility, and thermodynamic stability) performed at Invitae indicates that this missense variant is expected to disrupt ATL3 protein function with a positive predictive value of 80%. In summary, the available evidence is currently insufficient to determine the role of this variant in disease. Therefore, it has been classified as a Variant of Uncertain Significance.

NM_015459.5(ATL3):c.785G>T (p.Cys262Phe)

Genes: ATL3 (atlastin GTPase 3; minus strand), LNCROPM (lncRNA regulator of PLAAT3 mediated phospholipid metabolism; plus strand). Cytogenetic location: 11q13.1.
Variant type: single nucleotide variant.
Coding change: c.785G>T on transcript NM_015459.5 (MANE Select); coding-DNA position 785, G replaced by T.
Protein change: p.Cys262Phe; replaces cysteine 262 with phenylalanine.
Molecular consequence: missense variant.
Genome position (GRCh38, 1-based): chr11:63,643,422, C>A on the plus strand (G>T on the coding strand, the complement: ATL3 is on the minus strand). VCF-style: chr11-63643422-C-A. GRCh37 (hg19) VCF-style: chr11-63410894-C-A.
Other names: c.731G>T, p.Cys244Phe (NM_001290048.2); short protein forms C244F, C262F.
Identifiers: ClinVar variation 3630643 (VCV003630643.2).
Genomic context (GRCh38, chr11:63,643,422, plus strand): 5'-AATTTCCCATCAAAGTCAGGGCTTGTGGCCACCTGGAGTCCTGGATGTGGTAAGAGAAAG[C>A]AGGTGACATCGGAGAAACATGAGTGAATGTGATTTCGAACATTCTGAATTTCTTCATGTT-3'
Protein context (NP_056274.3, residues 252-272): HIHSCFSDVT[Cys262Phe]FLLPHPGLQV